The following is an entry in ClinVar:

ClinVar aggregate classification (germline): Conflicting classifications of pathogenicity. Review status: criteria provided, conflicting classifications (1 of 4 stars). 3 submissions from 3 submitters: Uncertain significance (1); Likely benign (1). 1 of the submissions does not count toward it. Last evaluated 2026-06-01.

Conditions:
FGFR3-related disorder. Also called: FGFR3-related disorders.

gnomAD v4.1: 63 of 1,612,840 alleles (0.0039%); highest among the groups gnomAD compares: Admixed American, 0.022%; no homozygotes.

Submissions (3):

CeGaT Center for Human Genetics Tuebingen
Classification: Likely benign. Last evaluated: 2026-06-01. Review status: criteria provided, single submitter. Criteria: CeGaT Center For Human Genetics Tuebingen Variant Classification Criteria Version 2. Collection method: clinical testing. Allele origin: germline. Affected: yes. Observed: 1 variant allele.
Comment: FGFR3: BP4

Labcorp Genetics (formerly Invitae), Labcorp
Classification: Uncertain significance. Last evaluated: 2026-01-25. Review status: criteria provided, single submitter. Criteria: Invitae Variant Classification Sherloc (09022015). Collection method: clinical testing. Allele origin: germline.
Comment: This sequence change replaces proline, which is neutral and non-polar, with alanine, which is neutral and non-polar, at codon 401 of the FGFR3 protein (p.Pro401Ala). This variant is present in population databases (rs762705505, gnomAD 0.01%). This variant has not been reported in the literature in individuals affected with FGFR3-related conditions. ClinVar contains an entry for this variant (Variation ID: 2056854). Invitae Evidence Modeling of protein sequence and biophysical properties (such as structural, functional, and spatial information, amino acid conservation, physicochemical variation, residue mobility, and thermodynamic stability) indicates that this missense variant is not expected to disrupt FGFR3 protein function with a negative predictive value of 95%. In summary, the available evidence is currently insufficient to determine the role of this variant in disease. Therefore, it has been classified as a Variant of Uncertain Significance.

PreventionGenetics, part of Exact Sciences
Classification: Uncertain significance for FGFR3-related condition. Last evaluated: 2024-03-07. Review status: no assertion criteria provided. Collection method: clinical testing. Allele origin: germline. Not counted in ClinVar's aggregate classification.
Comment: The FGFR3 c.1201C>G variant is predicted to result in the amino acid substitution p.Pro401Ala. To our knowledge, this variant has not been reported in the literature. This variant is reported in 0.012% of alleles in individuals of Latino descent in gnomAD. At this time, the clinical significance of this variant is uncertain due to the absence of conclusive functional and genetic evidence.

NM_000142.5(FGFR3):c.1201C>G (p.Pro401Ala)

Gene: FGFR3 (fibroblast growth factor receptor 3; plus strand). Cytogenetic location: 4p16.3.
Variant type: single nucleotide variant.
Coding change: c.1201C>G on transcript NM_000142.5 (MANE Select); coding-DNA position 1201, C replaced by G.
Protein change: p.Pro401Ala; replaces proline 401 with alanine.
Molecular consequence: missense variant. On other transcripts: non-coding transcript variant (1), intron variant (1).
Genome position (GRCh38, 1-based): chr4:1,804,455, C>G. VCF-style: chr4-1804455-C-G. GRCh37 (hg19) VCF-style: chr4-1806182-C-G.
Other names: c.1207C>G, p.Pro403Ala (NM_001163213.2); c.1201C>G, p.Pro401Ala (NM_001354809.2, NM_001354810.2); c.931-369C>G (NM_022965.4); short protein forms P401A, P403A.
Identifiers: ClinVar variation 2056854 (VCV002056854.7), dbSNP rs762705505, ClinGen allele CA2810293.